The following is an entry in ClinVar:

ClinVar aggregate classification (germline): Conflicting classifications of pathogenicity. Review status: criteria provided, conflicting classifications (1 of 4 stars). 14 submissions from 13 submitters: Uncertain significance (2); Benign (4); Likely benign (5). 3 of the submissions do not count toward it. Last evaluated 2026-09-01.

Conditions:
Cardiovascular phenotype. Identifiers: MedGen CN230736.
Hypercholesterolemia, familial, 1. Also called: LDL RECEPTOR DISORDER; Hyperlipoproteinemia Type IIa; HYPER-LOW-DENSITY-LIPOPROTEINEMIA; HYPERCHOLESTEROLEMIC XANTHOMATOSIS, FAMILIAL; Fredrickson type IIa hyperlipoproteinemia; Hyperlipoproteinemia type 2. Identifiers: Orphanet 391665, MedGen C0745103, MONDO:0007750, OMIM 143890.
Hypercholesterolemia, autosomal dominant, type B (FHCL2). Also called: Hyperlipoproteinemia Type IIb; Familial hypercholesterolemia 2; APOB-Related Familial Hypercholesterolemia, Autosomal Dominant; HYPERCHOLESTEROLEMIA, FAMILIAL, DUE TO LIGAND-DEFECTIVE APOLIPOPROTEIN B; Familial Hypercholesterolemia Type B; APOLIPOPROTEIN B-100, FAMILIAL DEFECTIVE. Identifiers: MedGen C1704417, MONDO:0007751, OMIM 144010.
Familial hypobetalipoproteinemia 1. Also called: APOB-Related Familial Hypobetalipoproteinemia; Hypobetalipoproteinemia, normotriglyceridemic; Acanthocytosis with hypobetalipoproteinemia. Identifiers: MedGen C4551990, MONDO:0014252, OMIM 615558.
Familial hypercholesterolemia. Also called: Familial hypercholesterolemias; Familial hypercholesterolaemia. Identifiers: MedGen C0020445, MONDO:0005439.

Allele frequency attached by ClinVar (database versions not stated): ESP Exome Variant Server 0.00131; gnomAD 0.00177 and 0.00180; TOPMed 0.00178; 1000 Genomes Project 0.00180; 1000 Genomes Project 30x 0.00203.
gnomAD v4.1: 2,277 of 1,614,016 alleles (0.14%); highest among the groups gnomAD compares: Middle Eastern, 2.2%; 14 homozygotes.

Submissions (14):

CeGaT Center for Human Genetics Tuebingen
Classification: Likely benign. Last evaluated: 2026-09-01. Review status: criteria provided, single submitter. Criteria: CeGaT Center For Human Genetics Tuebingen Variant Classification Criteria Version 2. Collection method: clinical testing. Allele origin: germline. Affected: yes. Observed: 90 variant alleles.
Comment: APOB: BP4, BP7

Labcorp Genetics (formerly Invitae), Labcorp
Classification: Benign for Familial hypobetalipoproteinemia 1; Hypercholesterolemia, autosomal dominant, type B. Last evaluated: 2026-02-03. Review status: criteria provided, single submitter. Criteria: Invitae Variant Classification Sherloc (09022015). Collection method: clinical testing. Allele origin: germline.

Blueprint Genetics
Classification: Likely benign. Last evaluated: 2024-11-19. Review status: criteria provided, single submitter. Criteria: ACMG Guidelines, 2015. Collection method: clinical testing. Allele origin: germline.

Quest Diagnostics Nichols Institute San Juan Capistrano
Classification: Benign. Last evaluated: 2023-03-06. Review status: criteria provided, single submitter. Criteria: Quest Diagnostics criteria. Collection method: clinical testing. Allele origin: unknown.

GENinCode PLC
Classification: Benign for Familial hypercholesterolemia. Last evaluated: 2022-08-24. Review status: criteria provided, single submitter. Criteria: ACMG Guidelines, 2015. Collection method: clinical testing. Allele origin: germline.

GeneDx
Classification: Likely benign. Last evaluated: 2020-12-18. Review status: criteria provided, single submitter. Criteria: GeneDx Variant Classification Process June 2021. Collection method: clinical testing. Allele origin: germline. Affected: yes.
Comment: This variant is associated with the following publications: (PMID: 30270084)

Color Diagnostics, LLC DBA Color Health
Classification: Benign for Familial hypercholesterolemias. Last evaluated: 2018-06-28. Review status: criteria provided, single submitter. Criteria: ACMG Guidelines, 2015. Collection method: clinical testing. Allele origin: germline.

Illumina Laboratory Services, Illumina
Classification: Uncertain significance for Hypercholesterolemia, autosomal dominant, type B. Last evaluated: 2018-01-13. Review status: criteria provided, single submitter. Criteria: ICSL Variant Classification Criteria 13 December 2019. Collection method: clinical testing. Allele origin: germline.

Illumina Laboratory Services, Illumina
Classification: Uncertain significance for Familial hypobetalipoproteinemia 1. Last evaluated: 2018-01-13. Review status: criteria provided, single submitter. Criteria: ICSL Variant Classification Criteria 13 December 2019. Collection method: clinical testing. Allele origin: germline.

Robarts Research Institute, Western University
Classification: Likely benign for Hypercholesterolemia, familial, 1. Last evaluated: 2018-01-02. Review status: criteria provided, single submitter. Criteria: ACMG Guidelines, 2015. Collection method: clinical testing. Allele origin: germline. Inheritance: Autosomal dominant inheritance. Affected: yes.

Ambry Genetics
Classification: Likely benign for Cardiovascular phenotype. Last evaluated: 2016-12-21. Review status: criteria provided, single submitter. Criteria: Ambry Variant Classification Scheme 2023. Collection method: clinical testing. Allele origin: germline.

Clinical Genetics DNA and cytogenetics Diagnostics Lab, Erasmus MC, Erasmus Medical Center
Classification: Likely benign. Review status: no assertion criteria provided. Collection method: clinical testing. Allele origin: germline. Affected: yes. Study: VKGL Data-share Consensus. Not counted in ClinVar's aggregate classification.

Clinical Genetics, Academic Medical Center
Classification: Benign. Review status: no assertion criteria provided. Collection method: clinical testing. Allele origin: germline. Affected: yes. Study: VKGL Data-share Consensus. Not counted in ClinVar's aggregate classification.

Diagnostic Laboratory, Department of Genetics, University Medical Center Groningen
Classification: Likely benign. Review status: no assertion criteria provided. Collection method: clinical testing. Allele origin: germline. Affected: yes. Study: VKGL Data-share Consensus. Not counted in ClinVar's aggregate classification.

Literature cited by the submitters: PubMed 30270084 (cited by Quest Diagnostics Nichols Institute San Juan Capistrano).

NM_000384.3(APOB):c.3426G>A (p.Ser1142=)

Gene: APOB (apolipoprotein B; minus strand). Cytogenetic location: 2p24.1.
Variant type: single nucleotide variant.
Coding change: c.3426G>A on transcript NM_000384.3 (MANE Select); coding-DNA position 3426, G replaced by A.
Protein change: p.Ser1142=; no amino-acid change (serine 1142 retained).
Molecular consequence: synonymous variant.
Genome position (GRCh38, 1-based): chr2:21,015,452, C>T on the plus strand (G>A on the coding strand, the complement: APOB is on the minus strand). VCF-style: chr2-21015452-C-T. GRCh37 (hg19) VCF-style: chr2-21238324-C-T.
Identifiers: ClinVar variation 334155 (VCV000334155.68), dbSNP rs142448733, ClinGen allele CA058822.
Genomic context (GRCh38, chr2:21,015,452, plus strand): 5'-GGAAACTGTGGAGCCATAAGCTGTAGCAGATGAGTCCATTTGGAGAAGCAGTTTGGCAGG[C>T]GACCAGTGGGCGAGGATCTCACTTCTGGCTTCTGCTTGCAAACGGGGTATGGAAATAACA-3'
Protein context (NP_000375.3, residues 1132-1152): EARSEILAHW[Ser1142=]PAKLLLQMDS